The following is an entry in ClinVar:

ClinVar aggregate classification (germline): Uncertain significance. Review status: criteria provided, multiple submitters, no conflicts (2 of 4 stars). 2 submissions from 2 submitters: Uncertain significance (2). Last evaluated 2025-03-04.

Allele frequency attached by ClinVar (database versions not stated): gnomAD exomes below 0.00001; ExAC 0.00001.
gnomAD v4.1: 2 of 1,614,144 alleles (0.00012%); highest among the groups gnomAD compares: Non-Finnish European, 0.00017%; no homozygotes.

Submissions (2):

Center for Genomic Medicine, Rigshospitalet, Copenhagen University Hospital
Classification: Uncertain significance. Last evaluated: 2025-03-04. Review status: criteria provided, single submitter. Criteria: ACMG Guidelines, 2015. Collection method: clinical testing. Allele origin: germline.

Ambry Genetics
Classification: Uncertain significance. Last evaluated: 2023-10-01. Review status: criteria provided, single submitter. Criteria: Ambry Variant Classification Scheme 2023. Collection method: clinical testing. Allele origin: germline.
Comment: The p.I988T variant (also known as c.2963T>C), located in coding exon 1 of the MLH3 gene, results from a T to C substitution at nucleotide position 2963. The isoleucine at codon 988 is replaced by threonine, an amino acid with similar properties. This amino acid position is conserved. In addition, this alteration is predicted to be tolerated by in silico analysis. Since supporting evidence is limited at this time, the clinical significance of this alteration remains unclear.

NM_001040108.2(MLH3):c.2963T>C (p.Ile988Thr)

Gene: MLH3 (mutL homolog 3; minus strand). Cytogenetic location: 14q24.3.
Variant type: single nucleotide variant.
Coding change: c.2963T>C on transcript NM_001040108.2 (MANE Select); coding-DNA position 2963, T replaced by C.
Protein change: p.Ile988Thr; replaces isoleucine 988 with threonine.
Molecular consequence: missense variant.
Genome position (GRCh38, 1-based): chr14:75,046,693, A>G on the plus strand (T>C on the coding strand, the complement: MLH3 is on the minus strand). VCF-style: chr14-75046693-A-G. GRCh37 (hg19) VCF-style: chr14-75513396-A-G.
Other names: c.2963T>C, p.Ile988Thr (NM_014381.3); short protein forms I988T.
Identifiers: ClinVar variation 1798191 (VCV001798191.3), dbSNP rs764429890, ClinGen allele CA7275607.